The following is an entry in ClinVar:

NM_000051.4(ATM):c.3820C>T (p.Gln1274Ter)

Gene: ATM (ATM serine/threonine kinase; plus strand). Cytogenetic location: 11q22.3.
Variant type: single nucleotide variant.
Coding change: c.3820C>T on transcript NM_000051.4 (MANE Select); coding-DNA position 3820, C replaced by T.
Protein change: p.Gln1274Ter; replaces glutamine 1274 with a stop codon.
Molecular consequence: nonsense.
Genome position (GRCh38, 1-based): chr11:108,284,300, C>T. VCF-style: chr11-108284300-C-T. GRCh37 (hg19) VCF-style: chr11-108155027-C-T.
Other names: c.3820C>T, p.Gln1274Ter (NM_001351834.2); short protein forms Q1274*.
Identifiers: ClinVar variation 1072891 (VCV001072891.6), dbSNP rs1453429915, ClinGen allele CA382524882.

ClinVar aggregate classification (germline): Conflicting classifications of pathogenicity. Review status: criteria provided, conflicting classifications (1 of 4 stars). 2 submissions from 2 submitters: Pathogenic (1); Uncertain significance (1). Last evaluated 2020-03-04.

Conditions:
Ataxia-telangiectasia syndrome (AT). Also called: Cerebello-oculocutaneous telangiectasia; Immunodeficiency with ataxia telangiectasia; ATAXIA-TELANGIECTASIA, FRESNO VARIANT; Ataxia-telangiectasia, complementation group D; Ataxia telangiectasia (A-T); LOUIS-BAR SYNDROME. Identifiers: Orphanet 100, MedGen C0004135, MONDO:0008840, OMIM 208900.

Allele frequency attached by ClinVar (database versions not stated): TOPMed below 0.00001; gnomAD 0.00001.
gnomAD v4.1: 1 of 1,613,662 alleles (0.000062%); highest among the groups gnomAD compares: African/African-American, 0.0013%; no homozygotes.

Submissions (2):

Labcorp Genetics (formerly Invitae), Labcorp
Classification: Pathogenic for Ataxia-telangiectasia syndrome. Last evaluated: 2020-03-04. Review status: criteria provided, single submitter. Criteria: Invitae Variant Classification Sherloc (09022015). Collection method: clinical testing. Allele origin: germline.
Comment: For these reasons, this variant has been classified as Pathogenic. Loss-of-function variants in ATM are known to be pathogenic (PMID: 23807571, 25614872). This variant has not been reported in the literature in individuals with ATM-related conditions. This variant is not present in population databases (ExAC no frequency). This sequence change creates a premature translational stop signal (p.Gln1274*) in the ATM gene. It is expected to result in an absent or disrupted protein product.

Neuberg Centre For Genomic Medicine, NCGM
Classification: Uncertain significance for Ataxia-telangiectasia syndrome. Review status: criteria provided, single submitter. Criteria: ACMG Guidelines, 2015. Collection method: clinical testing. Allele origin: germline. Inheritance: Autosomal recessive inheritance. Affected: yes.
Comment: The stop gained variant c.3820C>T(p.Gln1274Ter) has been submitted to ClinVar as a Pathogenic, but no details are available for independent assessment. The c.3820C>T variant is novel (not in any individuals) in gnomAD Exomes and 1000 Genomes. This variant has been reported to the ClinVar database as Pathogenic. The nucleotide change c.3820C>T in ATM is predicted as conserved by GERP++ and PhyloP across 100 vertebrates. This variant is predicted to cause loss of normal protein function through protein truncation. Loss of function variants have been previously reported to be disease causing. For these reasons, this variant has been classified as Likely Pathogenic.

Literature cited by the submitters: PubMed 23807571 (cited by Labcorp Genetics (formerly Invitae), Labcorp); PubMed 25614872 (cited by Labcorp Genetics (formerly Invitae), Labcorp).